The following is an entry in ClinVar:

ClinVar aggregate classification (germline): Uncertain significance (1 of 4 stars; one submission).

Conditions:
Emery-Dreifuss muscular dystrophy 4, autosomal dominant (EDMD4). Also called: EMERY-DREIFUSS MUSCULAR DYSTROPHY 4 WITH VARIABLE FEATURES. Identifiers: Orphanet 261, MedGen C2751807, MONDO:0013071, OMIM 612998.
Autosomal recessive ataxia, Beauce type. Also called: ATAXIA, RECESSIVE, OF BEAUCE; SYNE1 Deficiency; Spinocerebellar ataxia, autosomal recessive 8; SYNE1-Related Autosomal Recessive Cerebellar Ataxia. Identifiers: Orphanet 88644, MedGen C1853116, MONDO:0012549, OMIM 610743.

Submission:

Labcorp Genetics (formerly Invitae), Labcorp
Classification: Uncertain significance for Emery-Dreifuss muscular dystrophy 4, autosomal dominant; Autosomal recessive ataxia, Beauce type. Last evaluated: 2019-01-31. Review status: criteria provided, single submitter. Criteria: Invitae Variant Classification Sherloc (09022015). Collection method: clinical testing. Allele origin: germline.
Comment: This sequence change replaces aspartic acid with glutamic acid at codon 7613 of the SYNE1 protein (p.Asp7613Glu). The aspartic acid residue is highly conserved and there is a small physicochemical difference between aspartic acid and glutamic acid. This variant is not present in population databases (ExAC no frequency). This variant has not been reported in the literature in individuals with SYNE1-related conditions. Algorithms developed to predict the effect of missense changes on protein structure and function output the following: SIFT: "Deleterious"; PolyPhen-2: "Benign"; Align-GVGD: "Class C0". The glutamic acid amino acid residue is found in multiple mammalian species, suggesting that this missense change does not adversely affect protein function. These predictions have not been confirmed by published functional studies and their clinical significance is uncertain. In summary, the available evidence is currently insufficient to determine the role of this variant in disease. Therefore, it has been classified as a Variant of Uncertain Significance.

NM_182961.4(SYNE1):c.23052T>G (p.Asp7684Glu)

Gene: SYNE1 (spectrin repeat containing nuclear envelope protein 1; minus strand). Cytogenetic location: 6q25.2.
Variant type: single nucleotide variant.
Coding change: c.23052T>G on transcript NM_182961.4 (MANE Select); coding-DNA position 23052, T replaced by G.
Protein change: p.Asp7684Glu; replaces aspartic acid 7684 with glutamic acid.
Molecular consequence: missense variant.
Genome position (GRCh38, 1-based): chr6:152,201,917, A>C on the plus strand (T>G on the coding strand, the complement: SYNE1 is on the minus strand). VCF-style: chr6-152201917-A-C. GRCh37 (hg19) VCF-style: chr6-152523052-A-C.
Other names: c.22839T>G, p.Asp7613Glu (NM_033071.5); short protein forms D7613E, D7684E.
Identifiers: ClinVar variation 861645 (VCV000861645.9), dbSNP rs1201437684, ClinGen allele CA366093097.
Genomic context (GRCh38, chr6:152,201,917, plus strand): 5'-ATGGTGATCCGGGAGAGACTGCGAAAGCTTCTTTTTGAAAGTTCGTAGTTTCTCCAGGGA[A>C]TCTGCTATTCCTTTCTCACATTTTTCCCAGTCCTATCATGGGAATAAAAACAAATAGCAT-3'
Protein context (NP_892006.3, residues 7674-7694): DWEKCEKGIA[Asp7684Glu]SLEKLRTFKK